The following is an entry in ClinVar:

ClinVar aggregate classification (germline): Uncertain significance (1 of 4 stars; one submission).

Allele frequency attached by ClinVar (database versions not stated): gnomAD 0.00001; gnomAD exomes 0.00001; TOPMed 0.00001.
gnomAD v4.1: 11 of 1,613,826 alleles (0.00068%); highest among the groups gnomAD compares: South Asian, 0.0011%; no homozygotes.

Submission:

Labcorp Genetics (formerly Invitae), Labcorp
Classification: Uncertain significance. Last evaluated: 2022-07-18. Review status: criteria provided, single submitter. Criteria: Invitae Variant Classification Sherloc (09022015). Collection method: clinical testing. Allele origin: germline.
Comment: In summary, the available evidence is currently insufficient to determine the role of this variant in disease. Therefore, it has been classified as a Variant of Uncertain Significance. Algorithms developed to predict the effect of missense changes on protein structure and function are either unavailable or do not agree on the potential impact of this missense change (SIFT: "Deleterious"; PolyPhen-2: "Probably Damaging"; Align-GVGD: "Class C0"). This variant has not been reported in the literature in individuals affected with COQ6-related conditions. This variant is present in population databases (no rsID available, gnomAD 0.002%). This sequence change replaces glutamic acid, which is acidic and polar, with lysine, which is basic and polar, at codon 69 of the COQ6 protein (p.Glu69Lys).

NM_182476.3(COQ6):c.205G>A (p.Glu69Lys)

Gene: COQ6 (coenzyme Q6, monooxygenase; plus strand). Cytogenetic location: 14q24.3.
Variant type: single nucleotide variant.
Coding change: c.205G>A on transcript NM_182476.3 (MANE Select); coding-DNA position 205, G replaced by A.
Protein change: p.Glu69Lys; replaces glutamic acid 69 with lysine.
Molecular consequence: missense variant.
Genome position (GRCh38, 1-based): chr14:73,953,476, G>A. VCF-style: chr14-73953476-G-A. GRCh37 (hg19) VCF-style: chr14-74420179-G-A.
Other names: c.130G>A, p.Glu44Lys (NM_182480.3); short protein forms E44K, E69K.
Identifiers: ClinVar variation 2161327 (VCV002161327.3), dbSNP rs891068944, ClinGen allele CA263572181.